The following is an entry in ClinVar:

ClinVar aggregate classification (germline): Uncertain significance (1 of 4 stars; one submission).

Allele frequency attached by ClinVar (database versions not stated): gnomAD 0.00001.

Submission:

Labcorp Genetics (formerly Invitae), Labcorp
Classification: Uncertain significance. Last evaluated: 2023-06-10. Review status: criteria provided, single submitter. Criteria: Invitae Variant Classification Sherloc (09022015). Collection method: clinical testing. Allele origin: germline.
Comment: In summary, the available evidence is currently insufficient to determine the role of this variant in disease. Therefore, it has been classified as a Variant of Uncertain Significance. Experimental studies and prediction algorithms are not available or were not evaluated, and the functional significance of this variant is currently unknown. This variant has not been reported in the literature in individuals affected with TNFRSF11B-related conditions. This variant is not present in population databases (gnomAD no frequency). This sequence change creates a premature translational stop signal (p.Ser352*) in the TNFRSF11B gene. While this is not anticipated to result in nonsense mediated decay, it is expected to disrupt the last 50 amino acid(s) of the TNFRSF11B protein.

NM_002546.4(TNFRSF11B):c.1055C>A (p.Ser352Ter)

Gene: TNFRSF11B (TNF receptor superfamily member 11b; minus strand). Cytogenetic location: 8q24.12.
Variant type: single nucleotide variant.
Coding change: c.1055C>A on transcript NM_002546.4 (MANE Select); coding-DNA position 1055, C replaced by A.
Protein change: p.Ser352Ter; replaces serine 352 with a stop codon.
Molecular consequence: nonsense.
Genome position (GRCh38, 1-based): chr8:118,924,525, G>T on the plus strand (C>A on the coding strand, the complement: TNFRSF11B is on the minus strand). VCF-style: chr8-118924525-G-T. GRCh37 (hg19) VCF-style: chr8-119936764-G-T.
Other names: short protein forms S352*.
Identifiers: ClinVar variation 2903826 (VCV002903826.3), dbSNP rs768301534, ClinGen allele CA371918552.
Genomic context (GRCh38, chr8:118,924,525, plus strand): 5'-AGGAACCTGATGGTCTTCTTTAGACTCTGAGTGACAGTTTTGGGAAAGTGGTACGTCTTT[G>T]AGTGCTTTAGTGCGTGCATTAGGCCCTTCAAGGTGTCTTGGTCGCCATTTTTTATTCGCC-3'